The following is an entry in ClinVar:

NM_001430.5(EPAS1):c.1394C>A (p.Pro465Gln)

Gene: EPAS1 (endothelial PAS domain protein 1; plus strand). Cytogenetic location: 2p21.
Variant type: single nucleotide variant.
Coding change: c.1394C>A on transcript NM_001430.5 (MANE Select); coding-DNA position 1394, C replaced by A.
Protein change: p.Pro465Gln; replaces proline 465 with glutamine.
Molecular consequence: missense variant.
Genome position (GRCh38, 1-based): chr2:46,378,038, C>A. VCF-style: chr2-46378038-C-A. GRCh37 (hg19) VCF-style: chr2-46605177-C-A.
Other names: short protein forms P465Q.
Identifiers: ClinVar variation 1771591 (VCV001771591.2), dbSNP rs199710213, ClinGen allele CA346703990.

ClinVar aggregate classification (germline): Uncertain significance (1 of 4 stars; one submission).

Conditions:
Inborn genetic diseases. Identifiers: MedGen C0950123, MeSH D030342.

Submission:

Ambry Genetics
Classification: Uncertain significance for Inborn genetic diseases. Last evaluated: 2024-03-08. Review status: criteria provided, single submitter. Criteria: Ambry Variant Classification Scheme 2023. Collection method: clinical testing. Allele origin: germline.
Comment: The p.P465Q variant (also known as c.1394C>A), located in coding exon 10 of the EPAS1 gene, results from a C to A substitution at nucleotide position 1394. The proline at codon 465 is replaced by glutamine, an amino acid with similar properties. This amino acid position is conserved. In addition, this alteration is predicted to be tolerated by in silico analysis. Since supporting evidence is limited at this time, the clinical significance of this alteration remains unclear.